The following is an entry in ClinVar:

NM_001277115.2(DNAH11):c.9689G>A (p.Gly3230Glu)

Gene: DNAH11 (dynein axonemal heavy chain 11; plus strand). Cytogenetic location: 7p15.3.
Variant type: single nucleotide variant.
Coding change: c.9689G>A on transcript NM_001277115.2 (MANE Select); coding-DNA position 9689, G replaced by A.
Protein change: p.Gly3230Glu; replaces glycine 3230 with glutamic acid.
Molecular consequence: missense variant.
Genome position (GRCh38, 1-based): chr7:21,786,715, G>A. VCF-style: chr7-21786715-G-A. GRCh37 (hg19) VCF-style: chr7-21826333-G-A.
Other names: c.9710G>A, p.Gly3237Glu (NM_003777.3); short protein forms G3237E, G3230E.
Identifiers: ClinVar variation 1983799 (VCV001983799.1), dbSNP rs1788210894, ClinGen allele CA366940558.

ClinVar aggregate classification (germline): Uncertain significance (1 of 4 stars; one submission).

Conditions:
Primary ciliary dyskinesia. Also called: Ciliary dyskinesia. Identifiers: Orphanet 244, MedGen C0008780, MONDO:0016575, HP:0012265.

gnomAD v4.1: 1 of 1,613,896 alleles (0.000062%); highest among the groups gnomAD compares: Non-Finnish European, 0.000085%; no homozygotes.

Submission:

Labcorp Genetics (formerly Invitae), Labcorp
Classification: Uncertain significance for Primary ciliary dyskinesia. Last evaluated: 2022-10-04. Review status: criteria provided, single submitter. Criteria: Invitae Variant Classification Sherloc (09022015). Collection method: clinical testing. Allele origin: germline.
Comment: This sequence change replaces glycine, which is neutral and non-polar, with glutamic acid, which is acidic and polar, at codon 3230 of the DNAH11 protein (p.Gly3230Glu). This variant is not present in population databases (gnomAD no frequency). This variant has not been reported in the literature in individuals affected with DNAH11-related conditions. Advanced modeling of protein sequence and biophysical properties (such as structural, functional, and spatial information, amino acid conservation, physicochemical variation, residue mobility, and thermodynamic stability) has been performed at Invitae for this missense variant, however the output from this modeling did not meet the statistical confidence thresholds required to predict the impact of this variant on DNAH11 protein function. In summary, the available evidence is currently insufficient to determine the role of this variant in disease. Therefore, it has been classified as a Variant of Uncertain Significance.